The following is an entry in ClinVar:

NM_014795.4(ZEB2):c.3025C>T (p.Gln1009Ter)

Gene: ZEB2 (zinc finger E-box binding homeobox 2; minus strand). Cytogenetic location: 2q22.3.
Variant type: single nucleotide variant.
Coding change: c.3025C>T on transcript NM_014795.4 (MANE Select); coding-DNA position 3025, C replaced by T.
Protein change: p.Gln1009Ter; replaces glutamine 1009 with a stop codon.
Molecular consequence: nonsense.
Genome position (GRCh38, 1-based): chr2:144,396,454, G>A on the plus strand (C>T on the coding strand, the complement: ZEB2 is on the minus strand). VCF-style: chr2-144396454-G-A. GRCh37 (hg19) VCF-style: chr2-145154021-G-A.
Other names: c.2953C>T, p.Gln985Ter (NM_001171653.2); short protein forms Q1009*, Q985*.
Identifiers: ClinVar variation 572098 (VCV000572098.8), dbSNP rs1560604977, ClinGen allele CA348703860.

ClinVar aggregate classification (germline): Pathogenic (1 of 4 stars; one submission).

Conditions:
Mowat-Wilson syndrome (MOWS). Also called: Classic Mowat-Wilson Syndrome. Identifiers: Orphanet 2152, MedGen C1856113, MONDO:0009341, OMIM 235730.

Submission:

Labcorp Genetics (formerly Invitae), Labcorp
Classification: Pathogenic for Mowat-Wilson syndrome. Last evaluated: 2018-03-24. Review status: criteria provided, single submitter. Criteria: Invitae Variant Classification Sherloc (09022015). Collection method: clinical testing. Allele origin: germline.
Comment: For these reasons, this variant has been classified as Pathogenic. A different truncation(p.Cys1032Leufs*43) that lies downstream of this variant has been determined to be pathogenic (Invitae). This suggests that deletion of this region of the ZEB2 protein is causative of disease. This variant has not been reported in the literature in individuals with ZEB2-related disease. This variant is not present in population databases (ExAC no frequency). This sequence change results in a premature translational stop signal in the ZEB2 gene (p.Gln1009*). While this is not anticipated to result in nonsense mediated decay, it is expected to deletes the last 206 amino acids of the ZEB2 protein.